The following is an entry in ClinVar:

ClinVar aggregate classification (germline): Benign/Likely benign. Review status: criteria provided, multiple submitters, no conflicts (2 of 4 stars). 10 submissions from 10 submitters: Benign (4); Likely benign (5). 1 of the submissions does not count toward it. Last evaluated 2026-07-13.

Conditions:
Hereditary cancer-predisposing syndrome. Also called: Tumor predisposition; Neoplastic Syndromes, Hereditary; Hereditary neoplastic syndrome; Hereditary Cancer Syndrome. Identifiers: Orphanet 140162, MedGen C0027672, MeSH D009386, MONDO:0015356.
Coffin-Siris syndrome. Identifiers: Orphanet 1465, MedGen C0265338, MONDO:0015452.
Intellectual disability, autosomal dominant 16 (CSS4). Also called: COFFIN-SIRIS SYNDROME 4. Identifiers: Orphanet 1465, MedGen C3553249, MONDO:0013821, OMIM 614609.
Rhabdoid tumor predisposition syndrome 2 (RTPS2). Identifiers: Orphanet 231108, Orphanet 69077, MedGen C2750074, MONDO:0013224, OMIM 613325.
SMARCA4-related disorder. Also called: SMARCA4-related condition.

Allele frequency attached by ClinVar (database versions not stated): ESP Exome Variant Server 0.00015; 1000 Genomes Project 30x 0.00016; gnomAD exomes 0.00018 and 0.00010; gnomAD 0.00017 and 0.00018; 1000 Genomes Project 0.00020; ExAC 0.00019; TOPMed 0.00025.
gnomAD v4.1: 170 of 1,613,556 alleles (0.011%); highest among the groups gnomAD compares: Admixed American, 0.08%; 1 homozygote.

Submissions (10):

Myriad Genetics, Inc.
Classification: Benign for Rhabdoid tumor predisposition syndrome 2. Last evaluated: 2026-07-13. Review status: criteria provided, single submitter. Criteria: Myriad Autosomal Dominant, Autosomal Recessive and X-Linked Classification Criteria (2023). Collection method: clinical testing. Allele origin: unknown.
Comment: This variant is considered benign. This variant is a silent/synonymous amino acid change and it is not expected to impact splicing.

CeGaT Center for Human Genetics Tuebingen
Classification: Likely benign. Last evaluated: 2026-04-01. Review status: criteria provided, single submitter. Criteria: CeGaT Center For Human Genetics Tuebingen Variant Classification Criteria Version 2. Collection method: clinical testing. Allele origin: germline. Affected: yes. Observed: 4 variant alleles.
Comment: SMARCA4: BP4, BP7

Labcorp Genetics (formerly Invitae), Labcorp
Classification: Likely benign for Rhabdoid tumor predisposition syndrome 2. Last evaluated: 2026-01-26. Review status: criteria provided, single submitter. Criteria: Invitae Variant Classification Sherloc (09022015). Collection method: clinical testing. Allele origin: germline.

Quest Diagnostics Nichols Institute San Juan Capistrano
Classification: Benign. Last evaluated: 2025-09-10. Review status: criteria provided, single submitter. Criteria: Quest Diagnostics criteria. Collection method: clinical testing. Allele origin: unknown.

Genome-Nilou Lab
Classification: Likely benign for Intellectual disability, autosomal dominant 16. Last evaluated: 2021-07-15. Review status: criteria provided, single submitter. Criteria: ACMG Guidelines, 2015. Collection method: clinical testing. Allele origin: germline. Affected: no.

GeneDx
Classification: Likely benign. Last evaluated: 2020-12-14. Review status: criteria provided, single submitter. Criteria: GeneDx Variant Classification Process June 2021. Collection method: clinical testing. Allele origin: germline. Affected: yes.

Sema4
Classification: Benign for Hereditary cancer-predisposing syndrome. Last evaluated: 2020-12-01. Review status: criteria provided, single submitter. Criteria: Sema4 Curation Guidelines. Collection method: curation. Allele origin: germline.

Illumina Laboratory Services, Illumina
Classification: Benign for Coffin-Siris syndrome. Last evaluated: 2018-01-12. Review status: criteria provided, single submitter. Criteria: ICSL Variant Classification Criteria 13 December 2019. Collection method: clinical testing. Allele origin: germline.
Comment: This variant was observed in the ICSL laboratory as part of a predisposition screen in an ostensibly healthy population. It had not been previously curated by ICSL or reported in the Human Gene Mutation Database (HGMD: prior to June 1st, 2018), and was therefore a candidate for classification through an automated scoring system. Utilizing variant allele frequency, disease prevalence and penetrance estimates, and inheritance mode, an automated score was calculated to assess if this variant is too frequent to cause the disease. Based on the score and internal cut-off values, a variant classified as benign is not then subjected to further curation. The score for this variant resulted in a classification of benign for this disease.

Ambry Genetics
Classification: Likely benign for Hereditary cancer-predisposing syndrome. Last evaluated: 2015-11-17. Review status: criteria provided, single submitter. Criteria: Ambry Variant Classification Scheme 2023. Collection method: clinical testing. Allele origin: germline.

PreventionGenetics, part of Exact Sciences
Classification: Likely benign for SMARCA4-related condition. Last evaluated: 2021-12-20. Review status: no assertion criteria provided. Collection method: clinical testing. Allele origin: germline. Not counted in ClinVar's aggregate classification.
Comment: This variant is classified as likely benign based on ACMG/AMP sequence variant interpretation guidelines (Richards et al. 2015 PMID: 25741868, with internal and published modifications).

NM_003072.5(SMARCA4):c.2085C>T (p.Ser695=)

Gene: SMARCA4 (SWI/SNF related BAF chromatin remodeling complex subunit ATPase 4; plus strand). Cytogenetic location: 19p13.2.
Variant type: single nucleotide variant.
Coding change: c.2085C>T on transcript NM_003072.5 (MANE Select); coding-DNA position 2085, C replaced by T.
Protein change: p.Ser695=; no amino-acid change (serine 695 retained).
Molecular consequence: synonymous variant. On other transcripts: non-coding transcript variant (1).
Genome position (GRCh38, 1-based): chr19:11,007,985, C>T. VCF-style: chr19-11007985-C-T. GRCh37 (hg19) VCF-style: chr19-11118661-C-T.
Other names: c.2085C>T, p.Ser695= (NM_001128844.3, NM_001128845.2, NM_001128846.2 and 5 more transcripts).
Identifiers: ClinVar variation 328027 (VCV000328027.53), dbSNP rs149342641, ClinGen allele CA9204003.
Genomic context (GRCh38, chr19:11,007,985, plus strand): 5'-GGCAGCACAGCCTCCCACCCTGCCCGTGGAGGAGAAGAAGAAGATTCCAGATCCAGACAG[C>T]GATGACGTCTCTGAGGTGGACGCGCGGCACATCATTGAGTAAGGGGTCCCGACACAGGTT-3'
Protein context (NP_003063.2, residues 685-705): EEKKKIPDPD[Ser695=]DDVSEVDARH